The following is an entry in ClinVar:

ClinVar aggregate classification (germline): Uncertain significance. Review status: criteria provided, multiple submitters, no conflicts (2 of 4 stars). 2 submissions from 2 submitters: Uncertain significance (2). Last evaluated 2025-01-01.

Conditions:
Primary ciliary dyskinesia. Also called: Ciliary dyskinesia. Identifiers: Orphanet 244, MedGen C0008780, MONDO:0016575, HP:0012265.

Allele frequency attached by ClinVar (database versions not stated): TOPMed 0.00002; gnomAD exomes 0.00001.
gnomAD v4.1: 14 of 1,498,270 alleles (0.00093%); highest among the groups gnomAD compares: Admixed American, 0.02%; no homozygotes.

Submissions (2):

Ambry Genetics
Classification: Uncertain significance for Primary ciliary dyskinesia. Last evaluated: 2025-01-01. Review status: criteria provided, single submitter. Criteria: Ambry Variant Classification Scheme 2023. Collection method: clinical testing. Allele origin: germline.

Labcorp Genetics (formerly Invitae), Labcorp
Classification: Uncertain significance for Primary ciliary dyskinesia. Last evaluated: 2022-06-20. Review status: criteria provided, single submitter. Criteria: Invitae Variant Classification Sherloc (09022015). Collection method: clinical testing. Allele origin: germline.
Comment: This sequence change replaces alanine, which is neutral and non-polar, with valine, which is neutral and non-polar, at codon 768 of the CCDC39 protein (p.Ala768Val). The frequency data for this variant in the population databases is considered unreliable, as metrics indicate poor data quality at this position in the gnomAD database. This variant has not been reported in the literature in individuals affected with CCDC39-related conditions. Algorithms developed to predict the effect of missense changes on protein structure and function (SIFT, PolyPhen-2, Align-GVGD) all suggest that this variant is likely to be tolerated. Algorithms developed to predict the effect of sequence changes on RNA splicing suggest that this variant may create or strengthen a splice site. In summary, the available evidence is currently insufficient to determine the role of this variant in disease. Therefore, it has been classified as a Variant of Uncertain Significance.

NM_181426.2(CCDC39):c.2303C>T (p.Ala768Val)

Genes: CCDC39 (coiled-coil domain 39 molecular ruler complex subunit; minus strand), TTC14 (tetratricopeptide repeat domain 14; plus strand). Cytogenetic location: 3q26.33.
Variant type: single nucleotide variant.
Coding change: c.2303C>T on transcript NM_181426.2 (MANE Select); coding-DNA position 2303, C replaced by T.
Protein change: p.Ala768Val; replaces alanine 768 with valine.
Molecular consequence: missense variant. On other transcripts: intron variant (1).
Genome position (GRCh38, 1-based): chr3:180,616,929, G>A on the plus strand (C>T on the coding strand, the complement: CCDC39 is on the minus strand). VCF-style: chr3-180616929-G-A. GRCh37 (hg19) VCF-style: chr3-180334717-G-A.
Other names: c.1775-451G>A (NM_001288582.2); short protein forms A768V.
Identifiers: ClinVar variation 1423036 (VCV001423036.8), dbSNP rs1400344619, ClinGen allele CA355305731.
Genomic context (GRCh38, chr3:180,616,929, plus strand): 5'-TCTTTACTTAGTTGAAATGAATAAGCCTGCTTCTCTGATAACTTTTCTTTAACATTATTT[G>A]CCAAATGTTCTATAACATCTAATGTATTTTCCATGCTCTGTAGAAAAAATATTAACATGT-3'
Protein context (NP_852091.1, residues 758-778): ENTLDVIEHL[Ala768Val]NNVKEKLSEK